The following is an entry in ClinVar:

ClinVar aggregate classification (germline): Benign/Likely benign. Review status: criteria provided, multiple submitters, no conflicts (2 of 4 stars). 7 submissions from 7 submitters: Benign (1); Likely benign (3). 3 of the submissions do not count toward it. Last evaluated 2024-11-26.

Conditions:
Glycine encephalopathy. Also called: Non-ketotic hyperglycinemia; Nonketotic hyperglycinemia. Identifiers: Orphanet 407, MedGen C0751748, MONDO:0011612, HP:0008288.
GCSH-related disorder. Also called: GCSH-related condition.

Allele frequency attached by ClinVar (database versions not stated): gnomAD 0.00004 and 0.00005; gnomAD exomes 0.12852; ExAC 0.20139.

Submissions (7):

Blueprint Genetics
Classification: Likely benign. Last evaluated: 2024-11-26. Review status: criteria provided, single submitter. Criteria: ACMG Guidelines, 2015. Collection method: clinical testing. Allele origin: germline.

GeneDx
Classification: Benign. Last evaluated: 2021-05-04. Review status: criteria provided, single submitter. Criteria: GeneDx Variant Classification Process June 2021. Collection method: clinical testing. Allele origin: germline. Affected: yes.

Labcorp Genetics (formerly Invitae), Labcorp
Classification: Likely benign for Glycine encephalopathy. Last evaluated: 2021-02-15. Review status: criteria provided, single submitter. Criteria: Invitae Variant Classification Sherloc (09022015). Collection method: clinical testing. Allele origin: germline.

Breakthrough Genomics
Classification: Likely benign. Review status: criteria provided, single submitter. Criteria: ACMG Guidelines, 2015. Collection method: not provided. Allele origin: germline. Inheritance: Autosomal recessive inheritance. Affected: yes.

PreventionGenetics, part of Exact Sciences
Classification: Benign for GCSH-related condition. Last evaluated: 2019-04-05. Review status: no assertion criteria provided. Collection method: clinical testing. Allele origin: germline. Not counted in ClinVar's aggregate classification.
Comment: This variant is classified as benign based on ACMG/AMP sequence variant interpretation guidelines (Richards et al. 2015 PMID: 25741868, with internal and published modifications).

Clinical Genetics DNA and cytogenetics Diagnostics Lab, Erasmus MC, Erasmus Medical Center
Classification: Benign. Review status: no assertion criteria provided. Collection method: clinical testing. Allele origin: germline. Affected: yes. Study: VKGL Data-share Consensus. Not counted in ClinVar's aggregate classification.

Genome Diagnostics Laboratory, University Medical Center Utrecht
Classification: Benign. Review status: no assertion criteria provided. Collection method: clinical testing. Allele origin: germline. Affected: yes. Study: VKGL Data-share Consensus. Not counted in ClinVar's aggregate classification.

NM_004483.5(GCSH):c.84G>A (p.Pro28=)

Genes: GCSH (glycine cleavage system protein H; minus strand), LOC130059495 (ATAC-STARR-seq lymphoblastoid silent region 7751; plus strand). Cytogenetic location: 16q23.2.
Variant type: single nucleotide variant.
Coding change: c.84G>A on transcript NM_004483.5 (MANE Select); coding-DNA position 84, G replaced by A.
Protein change: p.Pro28=; no amino-acid change (proline 28 retained).
Molecular consequence: synonymous variant. On other transcripts: non-coding transcript variant (1).
Genome position (GRCh38, 1-based): chr16:81,096,195, C>T on the plus strand (G>A on the coding strand, the complement: GCSH is on the minus strand). VCF-style: chr16-81096195-C-T. GRCh37 (hg19) VCF-style: chr16-81129800-C-T.
Identifiers: ClinVar variation 531790 (VCV000531790.17), dbSNP rs775381594, ClinGen allele CA8186827.